The following is an entry in ClinVar:

ClinVar aggregate classification (germline): Conflicting classifications of pathogenicity. Review status: criteria provided, conflicting classifications (1 of 4 stars). 4 submissions from 4 submitters: Uncertain significance (3); Likely benign (1). Last evaluated 2025-09-10.

Conditions:
Cardiovascular phenotype. Identifiers: MedGen CN230736.
Arrhythmogenic right ventricular dysplasia 12. Also called: ARRHYTHMOGENIC RIGHT VENTRICULAR DYSPLASIA, FAMILIAL, 12. Identifiers: MedGen C1969081, MONDO:0012684, OMIM 611528.
Naxos disease (NXD). Also called: KERATOSIS PALMOPLANTARIS WITH ARRHYTHMOGENIC CARDIOMYOPATHY; MAL DE NAXOS; PALMOPLANTAR KERATODERMA WITH ARRHYTHMOGENIC RIGHT VENTRICULAR CARDIOMYOPATHY AND WOOLLY HAIR; WOOLLY HAIR, PALMOPLANTAR KERATODERMA, AND CARDIAC ABNORMALITIES; CARDIOMYOPATHY, ARRHYTHMOGENIC RIGHT VENTRICULAR, WITH SKIN, HAIR, AND NAIL ABNORMALITIES. Identifiers: Orphanet 34217, MedGen C1832600, MONDO:0011017, OMIM 601214.

Allele frequency attached by ClinVar (database versions not stated): gnomAD 0.00004 and 0.00006; gnomAD exomes 0.00004; TOPMed 0.00006; ExAC 0.00003.
gnomAD v4.1: 61 of 1,612,512 alleles (0.0038%); highest among the groups gnomAD compares: South Asian, 0.016%; no homozygotes.

Submissions (4):

Labcorp Genetics (formerly Invitae), Labcorp
Classification: Uncertain significance for Arrhythmogenic right ventricular dysplasia 12; Naxos disease. Last evaluated: 2025-09-10. Review status: criteria provided, single submitter. Criteria: Invitae Variant Classification Sherloc (09022015). Collection method: clinical testing. Allele origin: germline.
Comment: This sequence change replaces aspartic acid, which is acidic and polar, with asparagine, which is neutral and polar, at codon 708 of the JUP protein (p.Asp708Asn). This variant is present in population databases (rs781804177, gnomAD 0.02%). This variant has not been reported in the literature in individuals affected with JUP-related conditions. ClinVar contains an entry for this variant (Variation ID: 201805). An algorithm developed to predict the effect of missense changes on protein structure and function (PolyPhen-2) suggests that this variant is likely to be tolerated. In summary, the available evidence is currently insufficient to determine the role of this variant in disease. Therefore, it has been classified as a Variant of Uncertain Significance.

GeneDx
Classification: Uncertain significance. Last evaluated: 2024-02-01. Review status: criteria provided, single submitter. Criteria: GeneDx Variant Classification Process June 2021. Collection method: clinical testing. Allele origin: germline. Affected: yes.
Comment: Has not been previously published as pathogenic or benign to our knowledge; In silico analysis supports that this missense variant does not alter protein structure/function

Ambry Genetics
Classification: Likely benign for Cardiovascular phenotype. Last evaluated: 2021-07-08. Review status: criteria provided, single submitter. Criteria: Ambry Variant Classification Scheme 2023. Collection method: clinical testing. Allele origin: germline.

Stanford Center for Inherited Cardiovascular Disease, Stanford University
Classification: Uncertain significance. Last evaluated: 2015-07-23. Review status: criteria provided, single submitter. Criteria: ACMG Guidelines, 2015. Collection method: provider interpretation. Allele origin: germline.

NM_002230.4(JUP):c.2122G>A (p.Asp708Asn)

Gene: JUP (junction plakoglobin; minus strand). Cytogenetic location: 17q21.2.
Variant type: single nucleotide variant.
Coding change: c.2122G>A on transcript NM_002230.4 (MANE Select); coding-DNA position 2122, G replaced by A.
Protein change: p.Asp708Asn; replaces aspartic acid 708 with asparagine.
Molecular consequence: missense variant.
Genome position (GRCh38, 1-based): chr17:41,755,860, C>T on the plus strand (G>A on the coding strand, the complement: JUP is on the minus strand). VCF-style: chr17-41755860-C-T. GRCh37 (hg19) VCF-style: chr17-39912112-C-T.
Other names: p.D708N:GAT>AAT; c.2122G>A, p.Asp708Asn (NM_001352773.2, NM_001352774.2, NM_001352775.2 and 3 more transcripts); short protein forms D708N.
Identifiers: ClinVar variation 201805 (VCV000201805.15), dbSNP rs781804177, ClinGen allele CA308431.